The following is an entry in ClinVar:

ClinVar aggregate classification (germline): Uncertain significance (1 of 4 stars; one submission).

Allele frequency attached by ClinVar (database versions not stated): gnomAD exomes below 0.00001.
gnomAD v4.1: 1 of 1,614,014 alleles (0.000062%); highest among the groups gnomAD compares: Non-Finnish European, 0.000085%; no homozygotes.

Submission:

Labcorp Genetics (formerly Invitae), Labcorp
Classification: Uncertain significance. Last evaluated: 2022-02-21. Review status: criteria provided, single submitter. Criteria: Invitae Variant Classification Sherloc (09022015). Collection method: clinical testing. Allele origin: germline.
Comment: This variant is not present in population databases (gnomAD no frequency). This sequence change replaces asparagine, which is neutral and polar, with serine, which is neutral and polar, at codon 164 of the PISD protein (p.Asn164Ser). In summary, the available evidence is currently insufficient to determine the role of this variant in disease. Therefore, it has been classified as a Variant of Uncertain Significance. Algorithms developed to predict the effect of missense changes on protein structure and function are either unavailable or do not agree on the potential impact of this missense change (SIFT: "Not Available"; PolyPhen-2: "Benign"; Align-GVGD: "Not Available"). This variant has not been reported in the literature in individuals affected with PISD-related conditions.

NM_001326411.2(PISD):c.491A>G (p.Asn164Ser)

Gene: PISD (phosphatidylserine decarboxylase; minus strand). Cytogenetic location: 22q12.2.
Variant type: single nucleotide variant.
Coding change: c.491A>G on transcript NM_001326411.2 (MANE Select); coding-DNA position 491, A replaced by G.
Protein change: p.Asn164Ser; replaces asparagine 164 with serine.
Molecular consequence: missense variant.
Genome position (GRCh38, 1-based): chr22:31,621,716, T>C on the plus strand (A>G on the coding strand, the complement: PISD is on the minus strand). VCF-style: chr22-31621716-T-C. GRCh37 (hg19) VCF-style: chr22-32017702-T-C.
Other names: c.428A>G, p.Asn143Ser (NM_001326412.1, NM_001326413.2, NM_001326414.2); c.389A>G, p.Asn130Ser (NM_001326415.2, NM_001326416.2, NM_001326417.2 and 3 more transcripts); c.311A>G, p.Asn104Ser (NM_001326418.2, NM_001326420.2); c.491A>G, p.Asn164Ser (NM_001326421.1); short protein forms N143S, N164S, N130S, N104S.
Identifiers: ClinVar variation 2101116 (VCV002101116.4), dbSNP rs2523175381, ClinGen allele CA411288567.